The following is an entry in ClinVar:

NM_000313.4(PROS1):c.1A>C (p.Met1Leu)

Gene: PROS1 (protein S; minus strand). Cytogenetic location: 3q11.1.
Variant type: single nucleotide variant.
Coding change: c.1A>C on transcript NM_000313.4 (MANE Select); coding-DNA position 1, A replaced by C.
Protein change: p.Met1Leu; changes the start codon (methionine 1).
Molecular consequence: missense variant, initiator codon variant.
Genome position (GRCh38, 1-based): chr3:93,973,749, T>G on the plus strand (A>C on the coding strand, the complement: PROS1 is on the minus strand). VCF-style: chr3-93973749-T-G. GRCh37 (hg19) VCF-style: chr3-93692593-T-G.
Other names: c.1A>C, p.Met1Leu (NM_001314077.2); short protein forms M1L.
Identifiers: ClinVar variation 1066657 (VCV001066657.6), dbSNP rs2107279275, ClinGen allele CA353674391.
Genomic context (GRCh38, chr3:93,973,749, plus strand): 5'-CGGGAAGCACTAGGAGGAGACACGCCAGCAGCGCCCCGCAGCGCCCACCCAGGACCCTCA[T>G]TTCGAAGCGCGCGGAGGCGCCGGCAGGGACGGTGGCGCGTCGCGGCGGGGACCGGAGCGC-3'
Protein context (NP_000304.2, residues 1-11): [Met1Leu]RVLGGRCGAL

ClinVar aggregate classification (germline): Pathogenic (1 of 4 stars; one submission).

Conditions:
Thrombophilia due to protein S deficiency, autosomal recessive (THPH6). Identifiers: Orphanet 743, MedGen C3281092, MONDO:0013791, OMIM 614514. Disease mechanism: loss of function.

Submission:

Labcorp Genetics (formerly Invitae), Labcorp
Classification: Pathogenic for Thrombophilia due to protein S deficiency, autosomal recessive. Last evaluated: 2021-09-18. Review status: criteria provided, single submitter. Criteria: Invitae Variant Classification Sherloc (09022015). Collection method: clinical testing. Allele origin: germline.
Comment: For these reasons, this variant has been classified as Pathogenic. This variant disrupts a region of the PROS1 protein in which other variant(s) (p.Glu67Ala) have been determined to be pathogenic (PMID: 7803790, 15712777, 20880255, 22261441, 27748013). This suggests that this is a clinically significant region of the protein, and that variants that disrupt it are likely to be disease-causing. ClinVar contains an entry for this variant (Variation ID: 1066657). Disruption of the initiator codon has been observed in individuals with protein S deficiency (Invitae). This variant is not present in population databases (ExAC no frequency). This sequence change affects the initiator methionine of the PROS1 mRNA. The next in-frame methionine is located at codon 132.

Literature cited by the submitters: PubMed 7803790; PubMed 15712777; PubMed 20880255; PubMed 22261441; PubMed 27748013.